The following is an entry in ClinVar:

ClinVar aggregate classification (germline): Uncertain significance (1 of 4 stars; one submission).

Conditions:
Hereditary cancer-predisposing syndrome. Also called: Neoplastic Syndromes, Hereditary; Hereditary Cancer Syndrome; Tumor predisposition; Hereditary neoplastic syndrome. Identifiers: Orphanet 140162, MedGen C0027672, MeSH D009386, MONDO:0015356.

Submission:

Ambry Genetics
Classification: Uncertain significance for Hereditary cancer-predisposing syndrome. Last evaluated: 2024-12-19. Review status: criteria provided, single submitter. Criteria: Ambry Variant Classification Scheme 2023. Collection method: clinical testing. Allele origin: germline.
Comment: The p.S352F variant (also known as c.1055C>T), located in coding exon 9 of the SUFU gene, results from a C to T substitution at nucleotide position 1055. The serine at codon 352 is replaced by phenylalanine, an amino acid with highly dissimilar properties. This amino acid position is highly conserved in available vertebrate species. In addition, the in silico prediction for this alteration is inconclusive. Based on the available evidence, the clinical significance of this variant remains unclear.

Literature cited by the submitters: PubMed 25403219.

NM_016169.4(SUFU):c.1055C>T (p.Ser352Phe)

Gene: SUFU (SUFU negative regulator of hedgehog signaling; plus strand). Cytogenetic location: 10q24.32.
Variant type: single nucleotide variant.
Coding change: c.1055C>T on transcript NM_016169.4 (MANE Select); coding-DNA position 1055, C replaced by T.
Protein change: p.Ser352Phe; replaces serine 352 with phenylalanine.
Molecular consequence: missense variant.
Genome position (GRCh38, 1-based): chr10:102,615,300, C>T. VCF-style: chr10-102615300-C-T. GRCh37 (hg19) VCF-style: chr10-104375057-C-T.
Other names: c.1055C>T, p.Ser352Phe (NM_001178133.2); short protein forms S352F.
Identifiers: ClinVar variation 3802884 (VCV003802884.1).
Genomic context (GRCh38, chr10:102,615,300, plus strand): 5'-CGAACCTTTTCCTGTGCTTGCTTCACAGGAGCCGCAAAGACAGCCTGGAAAGTGACAGCT[C>T]CACGGCCATCATTCCCCATGAGCTGATTCGCACGCGGCAGCTTGAGAGCGTACATCTGAA-3'
Protein context (NP_057253.2, residues 342-362): SRKDSLESDS[Ser352Phe]TAIIPHELIR